The following is an entry in ClinVar:

ClinVar aggregate classification (germline): Uncertain significance (1 of 4 stars; one submission).

Conditions:
Inborn genetic diseases. Identifiers: MedGen C0950123, MeSH D030342.

Submission:

Ambry Genetics
Classification: Uncertain significance for Inborn genetic diseases. Last evaluated: 2025-01-19. Review status: criteria provided, single submitter. Criteria: Ambry Variant Classification Scheme 2023. Collection method: clinical testing. Allele origin: germline.
Comment: The p.V45L variant (also known as c.133G>T), located in coding exon 2 of the USB1 gene, results from a G to T substitution at nucleotide position 133. The valine at codon 45 is replaced by leucine, an amino acid with highly similar properties. This amino acid position is conserved. In addition, this alteration is predicted to be tolerated by in silico analysis. Based on the available evidence, the clinical significance of this variant remains unclear.

NM_024598.4(USB1):c.133G>T (p.Val45Leu)

Gene: USB1 (U6 snRNA biogenesis phosphodiesterase 1; plus strand). Cytogenetic location: 16q21.
Variant type: single nucleotide variant.
Coding change: c.133G>T on transcript NM_024598.4 (MANE Select); coding-DNA position 133, G replaced by T.
Protein change: p.Val45Leu; replaces valine 45 with leucine.
Molecular consequence: missense variant. On other transcripts: 5 prime UTR variant (1).
Genome position (GRCh38, 1-based): chr16:58,002,513, G>T. VCF-style: chr16-58002513-G-T. GRCh37 (hg19) VCF-style: chr16-58036417-G-T.
Other names: c.133G>T, p.Val45Leu (NM_001195302.2, NM_001204911.2, NM_001330569.2); c.-21G>T (NM_001330568.2); short protein forms V45L.
Identifiers: ClinVar variation 3813879 (VCV003813879.1).